The following is an entry in ClinVar:

ClinVar aggregate classification (germline): Uncertain significance (1 of 4 stars; one submission).

Conditions:
Evans syndrome, immunodeficiency, and premature immunosenescence associated with tripeptidyl-peptidase II deficiency. Identifiers: MedGen CN231723. Disease mechanism: loss of function.

Allele frequency attached by ClinVar (database versions not stated): TOPMed below 0.00001; gnomAD exomes below 0.00001.
gnomAD v4.1: 5 of 1,610,966 alleles (0.00031%); highest among the groups gnomAD compares: East Asian, 0.0045%; no homozygotes.

Submission:

Labcorp Genetics (formerly Invitae), Labcorp
Classification: Uncertain significance for Evans syndrome, immunodeficiency, and premature immunosenescence associated with tripeptidyl-peptidase II deficiency. Last evaluated: 2025-09-21. Review status: criteria provided, single submitter. Criteria: Invitae Variant Classification Sherloc (09022015). Collection method: clinical testing. Allele origin: germline.
Comment: This sequence change replaces isoleucine, which is neutral and non-polar, with threonine, which is neutral and polar, at codon 734 of the TPP2 protein (p.Ile734Thr). This variant is present in population databases (no rsID available, gnomAD 0.01%). This variant has not been reported in the literature in individuals affected with TPP2-related conditions. ClinVar contains an entry for this variant (Variation ID: 2729422). An algorithm developed to predict the effect of missense changes on protein structure and function (PolyPhen-2) suggests that this variant is likely to be tolerated. In summary, the available evidence is currently insufficient to determine the role of this variant in disease. Therefore, it has been classified as a Variant of Uncertain Significance.

NM_001330588.2(TPP2):c.2201T>C (p.Ile734Thr)

Gene: TPP2 (tripeptidyl peptidase 2; plus strand). Cytogenetic location: 13q33.1.
Variant type: single nucleotide variant.
Coding change: c.2201T>C on transcript NM_001330588.2 (MANE Select); coding-DNA position 2201, T replaced by C.
Protein change: p.Ile734Thr; replaces isoleucine 734 with threonine.
Molecular consequence: missense variant. On other transcripts: non-coding transcript variant (1).
Genome position (GRCh38, 1-based): chr13:102,644,582, T>C. VCF-style: chr13-102644582-T-C. GRCh37 (hg19) VCF-style: chr13-103296932-T-C.
Other names: c.2201T>C, p.Ile734Thr (NM_001367947.1, NM_003291.4); short protein forms I734T.
Identifiers: ClinVar variation 2729422 (VCV002729422.2), dbSNP rs980598484, ClinGen allele CA255164487.